The following is an entry in ClinVar:

ClinVar aggregate classification (germline): Uncertain significance (1 of 4 stars; one submission).

Conditions:
Neonatal-onset encephalopathy with rigidity and seizures. Also called: Lethal neonatal spasticity-epileptic encephalopathy syndrome. Identifiers: Orphanet 435845, MedGen C3281029, MONDO:0013784, OMIM 614498.

Submission:

Labcorp Genetics (formerly Invitae), Labcorp
Classification: Uncertain significance for Neonatal-onset encephalopathy with rigidity and seizures. Last evaluated: 2020-11-14. Review status: criteria provided, single submitter. Criteria: Invitae Variant Classification Sherloc (09022015). Collection method: clinical testing. Allele origin: germline.
Comment: This sequence change replaces glutamic acid with aspartic acid at codon 656 of the BRAT1 protein (p.Glu656Asp). The glutamic acid residue is highly conserved and there is a small physicochemical difference between glutamic acid and aspartic acid. This variant is not present in population databases (ExAC no frequency). This variant has not been reported in the literature in individuals with BRAT1-related conditions. Algorithms developed to predict the effect of missense changes on protein structure and function (SIFT, PolyPhen-2, Align-GVGD) all suggest that this variant is likely to be tolerated, but these predictions have not been confirmed by published functional studies and their clinical significance is uncertain. In summary, the available evidence is currently insufficient to determine the role of this variant in disease. Therefore, it has been classified as a Variant of Uncertain Significance.

NM_152743.4(BRAT1):c.1968G>T (p.Glu656Asp)

Gene: BRAT1 (BRCA1 associated ATM activator 1; minus strand). Cytogenetic location: 7p22.3.
Variant type: single nucleotide variant.
Coding change: c.1968G>T on transcript NM_152743.4 (MANE Select); coding-DNA position 1968, G replaced by T.
Protein change: p.Glu656Asp; replaces glutamic acid 656 with aspartic acid.
Molecular consequence: missense variant. On other transcripts: non-coding transcript variant (1).
Genome position (GRCh38, 1-based): chr7:2,538,567, C>A on the plus strand (G>T on the coding strand, the complement: BRAT1 is on the minus strand). VCF-style: chr7-2538567-C-A. GRCh37 (hg19) VCF-style: chr7-2578201-C-A.
Other names: c.2148G>T, p.Glu716Asp (NM_001350626.2); c.1443G>T, p.Glu481Asp (NM_001350627.2); short protein forms E481D, E716D, E656D.
Identifiers: ClinVar variation 1422830 (VCV001422830.8), dbSNP rs1179214588, ClinGen allele CA366625078.